The following is an entry in ClinVar:

ClinVar aggregate classification (germline): Likely benign. Review status: criteria provided, multiple submitters, no conflicts (2 of 4 stars). 4 submissions from 4 submitters: Likely benign (4). Last evaluated 2025-12-08.

Conditions:
Cardiovascular phenotype. Identifiers: MedGen CN230736.
Distal myopathy with posterior leg and anterior hand involvement. Also called: WILLIAMS DISTAL MYOPATHY. Identifiers: Orphanet 63273, MedGen C3279722, MONDO:0013550, OMIM 614065.
Hypertrophic cardiomyopathy 26. Also called: Cardiomyopathy, familial hypertrophic, 26. Identifiers: Orphanet 75249, MedGen C4310749, MONDO:0014883, OMIM 617047.
Myofibrillar myopathy 5. Also called: Filaminopathy (type); FILAMINOPATHY, AUTOSOMAL DOMINANT. Identifiers: Orphanet 171445, MedGen C1836050, MONDO:0012289, OMIM 609524.

Allele frequency attached by ClinVar (database versions not stated): TOPMed 0.00002; gnomAD 0.00003; gnomAD exomes 0.00003 and 0.00007; ExAC 0.00004; ESP Exome Variant Server 0.00008.
gnomAD v4.1: 104 of 1,608,904 alleles (0.0065%); highest among the groups gnomAD compares: Non-Finnish European, 0.0083%; no homozygotes.

Submissions (4):

Labcorp Genetics (formerly Invitae), Labcorp
Classification: Likely benign for Distal myopathy with posterior leg and anterior hand involvement; Myofibrillar myopathy 5; Hypertrophic cardiomyopathy 26. Last evaluated: 2025-12-08. Review status: criteria provided, single submitter. Criteria: Invitae Variant Classification Sherloc (09022015). Collection method: clinical testing. Allele origin: germline.

CeGaT Center for Human Genetics Tuebingen
Classification: Likely benign. Last evaluated: 2025-05-01. Review status: criteria provided, single submitter. Criteria: CeGaT Center For Human Genetics Tuebingen Variant Classification Criteria Version 2. Collection method: clinical testing. Allele origin: germline. Affected: yes. Observed: 2 variant alleles.
Comment: FLNC: BP4, BP7

Molecular Diagnostic Laboratory for Inherited Cardiovascular Disease, Montreal Heart Institute
Classification: Likely benign. Last evaluated: 2025-04-09. Review status: criteria provided, single submitter. Criteria: ACMG Guidelines, 2015. Collection method: clinical testing. Allele origin: germline. Affected: no.

Ambry Genetics
Classification: Likely benign for Cardiovascular phenotype. Last evaluated: 2019-05-22. Review status: criteria provided, single submitter. Criteria: Ambry Variant Classification Scheme 2023. Collection method: clinical testing. Allele origin: germline.

NM_001458.5(FLNC):c.1770C>T (p.Ala590=)

Gene: FLNC (filamin C; plus strand). Cytogenetic location: 7q32.1.
Variant type: single nucleotide variant.
Coding change: c.1770C>T on transcript NM_001458.5 (MANE Select); coding-DNA position 1770, C replaced by T.
Protein change: p.Ala590=; no amino-acid change (alanine 590 retained).
Molecular consequence: synonymous variant.
Genome position (GRCh38, 1-based): chr7:128,840,927, C>T. VCF-style: chr7-128840927-C-T. GRCh37 (hg19) VCF-style: chr7-128480981-C-T.
Other names: c.1770C>T, p.Ala590= (NM_001127487.2).
Identifiers: ClinVar variation 743738 (VCV000743738.22), dbSNP rs367987438, ClinGen allele CA4474470.